The following is an entry in ClinVar:

ClinVar aggregate classification (germline): Uncertain significance. Review status: criteria provided, multiple submitters, no conflicts (2 of 4 stars). 2 submissions from 2 submitters: Uncertain significance (2). Last evaluated 2025-07-12.

Conditions:
Inborn genetic diseases. Identifiers: MedGen C0950123, MeSH D030342.
Developmental and epileptic encephalopathy, 12 (DEE12). Identifiers: MedGen C3150988, MONDO:0013389, OMIM 613722.

Submissions (2):

Ambry Genetics
Classification: Uncertain significance for Inborn genetic diseases. Last evaluated: 2025-07-12. Review status: criteria provided, single submitter. Criteria: Ambry Variant Classification Scheme 2023. Collection method: clinical testing. Allele origin: germline.

Labcorp Genetics (formerly Invitae), Labcorp
Classification: Uncertain significance for Developmental and epileptic encephalopathy, 12. Last evaluated: 2025-05-25. Review status: criteria provided, single submitter. Criteria: Invitae Variant Classification Sherloc (09022015). Collection method: clinical testing. Allele origin: germline.
Comment: This sequence change replaces proline, which is neutral and non-polar, with serine, which is neutral and polar, at codon 163 of the PNKP protein (p.Pro163Ser). This variant is not present in population databases (gnomAD no frequency). This variant has not been reported in the literature in individuals affected with PNKP-related conditions. Invitae Evidence Modeling of protein sequence and biophysical properties (such as structural, functional, and spatial information, amino acid conservation, physicochemical variation, residue mobility, and thermodynamic stability) indicates that this missense variant is not expected to disrupt PNKP protein function with a negative predictive value of 80%. In summary, the available evidence is currently insufficient to determine the role of this variant in disease. Therefore, it has been classified as a Variant of Uncertain Significance.

NM_007254.4(PNKP):c.487C>T (p.Pro163Ser)

Gene: PNKP (polynucleotide kinase 3'-phosphatase; minus strand). Cytogenetic location: 19q13.33.
Variant type: single nucleotide variant.
Coding change: c.487C>T on transcript NM_007254.4 (MANE Select); coding-DNA position 487, C replaced by T.
Protein change: p.Pro163Ser; replaces proline 163 with serine.
Molecular consequence: missense variant.
Genome position (GRCh38, 1-based): chr19:49,865,138, G>A on the plus strand (C>T on the coding strand, the complement: PNKP is on the minus strand). VCF-style: chr19-49865138-G-A. GRCh37 (hg19) VCF-style: chr19-50368395-G-A.
Other names: short protein forms P163S.
Identifiers: ClinVar variation 4140559 (VCV004140559.2).